The following is an entry in ClinVar:

NM_002633.3(PGM1):c.203A>T (p.Lys68Met)

Gene: PGM1 (phosphoglucomutase 1; plus strand). Cytogenetic location: 1p31.3.
Variant type: single nucleotide variant.
Coding change: c.203A>T on transcript NM_002633.3 (MANE Select); coding-DNA position 203, A replaced by T.
Protein change: p.Lys68Met; replaces lysine 68 with methionine.
Molecular consequence: missense variant.
Genome position (GRCh38, 1-based): chr1:63,593,691, A>T. VCF-style: chr1-63593691-A-T. GRCh37 (hg19) VCF-style: chr1-64059362-A-T.
Other names: p.Lys68Met; short protein forms K68M.
Identifiers: ClinVar variation 1935814 (VCV001935814.3), dbSNP rs200390982, ClinGen allele CA889386.

ClinVar aggregate classification (germline): Conflicting classifications of pathogenicity. Review status: criteria provided, conflicting classifications (1 of 4 stars). 2 submissions from 2 submitters: Uncertain significance (1); Benign (1). Last evaluated 2025-08-11.

Conditions:
PGM1-congenital disorder of glycosylation. Also called: PHOSPHOGLUCOMUTASE 1 DEFICIENCY; PGM1 DEFICIENCY; Congenital disorder of glycosylation type 1t; GLYCOGEN STORAGE DISEASE XIV; GSD XIV; CDG It. Identifiers: Orphanet 319646, MedGen C2752015, MONDO:0013968, OMIM 614921.

Allele frequency attached by ClinVar (database versions not stated): ExAC 0.00009; 1000 Genomes Project 30x 0.00078; 1000 Genomes Project 0.00080.
gnomAD v4.1: 333 of 1,604,926 alleles (0.021%); highest among the groups gnomAD compares: East Asian, 0.74%; 4 homozygotes.

Submissions (2):

Mayo Clinic Laboratories, Mayo Clinic
Classification: Benign. Last evaluated: 2025-08-11. Review status: criteria provided, single submitter. Criteria: ACMG Guidelines, 2015. Collection method: clinical testing. Allele origin: germline. Observed: 1 variant allele.
Comment: BS1, BS3, BP4

Labcorp Genetics (formerly Invitae), Labcorp
Classification: Uncertain significance for PGM1-congenital disorder of glycosylation. Last evaluated: 2022-08-22. Review status: criteria provided, single submitter. Criteria: Invitae Variant Classification Sherloc (09022015). Collection method: clinical testing. Allele origin: germline.
Comment: This sequence change replaces lysine, which is basic and polar, with methionine, which is neutral and non-polar, at codon 68 of the PGM1 protein (p.Lys68Met). This variant is present in population databases (rs200390982, gnomAD 0.09%). This variant has not been reported in the literature in individuals affected with PGM1-related conditions. Algorithms developed to predict the effect of missense changes on protein structure and function are either unavailable or do not agree on the potential impact of this missense change (SIFT: "Tolerated"; PolyPhen-2: "Possibly Damaging"; Align-GVGD: "Class C0"). Experimental studies have shown that this missense change does not substantially affect PGM1 function (PMID: 25288802). In summary, the available evidence is currently insufficient to determine the role of this variant in disease. Therefore, it has been classified as a Variant of Uncertain Significance.

Literature cited by the submitters: PubMed 25288802 (cited by Mayo Clinic Laboratories, Mayo Clinic and Labcorp Genetics (formerly Invitae), Labcorp).